The following is an entry in ClinVar:

ClinVar aggregate classification (germline): Conflicting classifications of pathogenicity. Review status: criteria provided, conflicting classifications (1 of 4 stars). 3 submissions from 3 submitters: Pathogenic (1); Likely pathogenic (1); Uncertain significance (1). Last evaluated 2025-02-19.

Conditions:
GNE myopathy (NM). Also called: INCLUSION BODY MYOPATHY, HEREDITARY, AUTOSOMAL RECESSIVE; INCLUSION BODY MYOPATHY 2, AUTOSOMAL RECESSIVE; MYOPATHY, DISTAL, WITH OR WITHOUT RIMMED VACUOLES; IBM 2; Inclusion body myopathy autosomal recessive; Inclusion body myopathy quadriceps sparing. Identifiers: Orphanet 602, MedGen C1853926, MONDO:0011603, OMIM 605820.
Sialuria. Also called: SIALURIA, FRENCH TYPE; Sialic Acid Storage Disease. Identifiers: Orphanet 3166, MedGen C0342853, MONDO:0010028, OMIM 269921.

Submissions (3):

Myriad Genetics, Inc.
Classification: Likely pathogenic for GNE myopathy. Last evaluated: 2025-02-19. Review status: criteria provided, single submitter. Criteria: Myriad Autosomal Dominant, Autosomal Recessive and X-Linked Classification Criteria (2023). Collection method: clinical testing. Allele origin: unknown.
Comment: NM_001128227.2(GNE):c.862+4A>G is an intronic variant classified as likely pathogenic in the context of GNE myopathy. c.862+4A>G has been observed in cases with relevant disease (PMID: 24027297, 12473753). Relevant functional assessments of this variant are available in the literature (PMID: 12473753). c.862+4A>G has not been observed in referenced population frequency databases. In summary, NM_001128227.2(GNE):c.862+4A>G is an intronic variant that has functional support for pathogenicity and has been observed more frequently in cases with the relevant disease than in healthy populations. Please note: this variant was assessed in the context of healthy population screening.

Labcorp Genetics (formerly Invitae), Labcorp
Classification: Pathogenic for Sialuria; GNE myopathy. Last evaluated: 2023-06-06. Review status: criteria provided, single submitter. Criteria: Invitae Variant Classification Sherloc (09022015). Collection method: clinical testing. Allele origin: germline.
Comment: For these reasons, this variant has been classified as Pathogenic. Variants that disrupt the consensus splice site are a relatively common cause of aberrant splicing (PMID: 17576681, 9536098). Studies have shown that this variant results in skipping of exon 4 and introduces a premature termination codon (PMID: 12473753). The resulting mRNA is expected to undergo nonsense-mediated decay. ClinVar contains an entry for this variant (Variation ID: 366844). This variant is also known as IVS4+4A>G and c.769+4A>G. This variant has been observed in individuals with clinical features of autosomal recessive distal myopathy (PMID: 12473753, 24027297; Invitae). This variant is not present in population databases (gnomAD no frequency). This sequence change falls in intron 4 of the GNE gene. It does not directly change the encoded amino acid sequence of the GNE protein. RNA analysis indicates that this variant induces altered splicing and may result in an absent or disrupted protein product.

Illumina Laboratory Services, Illumina
Classification: Uncertain significance for Sialuria. Last evaluated: 2017-04-27. Review status: criteria provided, single submitter. Criteria: ICSL Variant Classification Criteria 13 December 2019. Collection method: clinical testing. Allele origin: germline.

Literature cited by the submitters: PubMed 12473753 (cited by Myriad Genetics, Inc. and Labcorp Genetics (formerly Invitae), Labcorp); PubMed 24027297 (cited by Myriad Genetics, Inc. and Labcorp Genetics (formerly Invitae), Labcorp); PubMed 17576681 (cited by Labcorp Genetics (formerly Invitae), Labcorp); PubMed 9536098 (cited by Labcorp Genetics (formerly Invitae), Labcorp).

NM_005476.7(GNE):c.769+4A>G

Gene: GNE (glucosamine (UDP-N-acetyl)-2-epimerase/N-acetylmannosamine kinase; minus strand). Cytogenetic location: 9p13.3.
Variant type: single nucleotide variant.
Coding change: c.769+4A>G on transcript NM_005476.7 (MANE Select); 4 bases into the intron after coding-DNA position 769, A replaced by G.
Molecular consequence: intron variant.
Genome position (GRCh38, 1-based): chr9:36,236,828, T>C on the plus strand (A>G on the coding strand, the complement: GNE is on the minus strand). VCF-style: chr9-36236828-T-C. GRCh37 (hg19) VCF-style: chr9-36236825-T-C.
Other names: c.592+4A>G (NM_001190388.2, NM_001374798.1); c.862+4A>G (NM_001128227.3); c.440-2696A>G (NM_001190384.3); c.617-2696A>G (NM_001374797.1); c.769+4A>G (NM_001190383.3).
Identifiers: ClinVar variation 366844 (VCV000366844.10), dbSNP rs886063926, ClinGen allele CA10627319.